The following is an entry in ClinVar:

NM_016363.5(GP6):c.585C>G (p.Ser195Arg)

Gene: GP6 (glycoprotein VI platelet; minus strand). Cytogenetic location: 19q13.42.
Variant type: single nucleotide variant.
Coding change: c.585C>G on transcript NM_016363.5 (MANE Select); coding-DNA position 585, C replaced by G.
Protein change: p.Ser195Arg; replaces serine 195 with arginine.
Molecular consequence: missense variant.
Genome position (GRCh38, 1-based): chr19:55,027,603, G>C on the plus strand (C>G on the coding strand, the complement: GP6 is on the minus strand). VCF-style: chr19-55027603-G-C. GRCh37 (hg19) VCF-style: chr19-55538971-G-C.
Other names: p.Ser195Arg; c.585C>G, p.Ser195Arg (NM_001083899.2, NM_001256017.2); short protein forms S195R.
Identifiers: ClinVar variation 4542366 (VCV004542366.1).
Genomic context (GRCh38, chr19:55,027,603, plus strand): 5'-CTGAGGAAGAAAGGTTTGGTCTGCACTACCCCTACCTGTGACCACAAGCTCCAGGGGGTC[G>C]CTGGGGGCTGACCACAGGTATGGGTCCCTGCTGGAGAAGCTGTAGCATCGGTAGGTTCCG-3'
Protein context (NP_057447.5, residues 185-205): SRDPYLWSAP[Ser195Arg]DPLELVVTGT

ClinVar aggregate classification (germline): Uncertain significance (1 of 4 stars; one submission).

gnomAD v4.1: 6 of 1,613,044 alleles (0.00037%); highest among the groups gnomAD compares: Admixed American, 0.01%; no homozygotes.

Submission:

Mayo Clinic Laboratories, Mayo Clinic
Classification: Uncertain significance. Last evaluated: 2025-06-03. Review status: criteria provided, single submitter. Criteria: ACMG Guidelines, 2015. Collection method: clinical testing. Allele origin: germline. Observed: 1 variant allele.
Comment: BP4